The following is an entry in ClinVar:

ClinVar aggregate classification (germline): Uncertain significance. Review status: criteria provided, multiple submitters, no conflicts (2 of 4 stars). 2 submissions from 2 submitters: Uncertain significance (2). Last evaluated 2022-10-21.

Conditions:
Loeys-Dietz syndrome 2 (LDS2). Also called: TGFBR2-Related Loeys-Dietz Syndrome; Marfan Syndrome type 2; Marfan like connective tissue disorder; MFS 2; Marfan syndrome, type 2 (formerly); AORTIC ANEURYSM, FAMILIAL THORACIC 3. Identifiers: Orphanet 284973, Orphanet 558, MedGen C2674574, MONDO:0012427, OMIM 610168.

gnomAD v4.1: 1 of 1,614,106 alleles (0.000062%); no homozygotes.

Submissions (2):

Ambry Genetics
Classification: Uncertain significance. Last evaluated: 2022-10-21. Review status: criteria provided, single submitter. Criteria: Ambry Variant Classification Scheme 2023. Collection method: clinical testing. Allele origin: germline.
Comment: The p.I314M variant (also known as c.942T>G), located in coding exon 4 of the TMPO gene, results from a T to G substitution at nucleotide position 942. The isoleucine at codon 314 is replaced by methionine, an amino acid with highly similar properties. This amino acid position is conserved. In addition, this alteration is predicted to be tolerated by in silico analysis. Since supporting evidence is limited at this time, the clinical significance of this alteration remains unclear.

Labcorp Genetics (formerly Invitae), Labcorp
Classification: Uncertain significance for Loeys-Dietz syndrome 2. Last evaluated: 2021-09-08. Review status: criteria provided, single submitter. Criteria: Invitae Variant Classification Sherloc (09022015). Collection method: clinical testing. Allele origin: germline.
Comment: In summary, the available evidence is currently insufficient to determine the role of this variant in disease. Therefore, it has been classified as a Variant of Uncertain Significance. Algorithms developed to predict the effect of missense changes on protein structure and function are either unavailable or do not agree on the potential impact of this missense change (SIFT: "Deleterious"; PolyPhen-2: "Benign"; Align-GVGD: "Class C0"). This variant has not been reported in the literature in individuals affected with TMPO-related conditions. This variant is not present in population databases (ExAC no frequency). This sequence change replaces isoleucine with methionine at codon 314 of the TMPO protein (p.Ile314Met). The isoleucine residue is weakly conserved and there is a small physicochemical difference between isoleucine and methionine.

NM_001032283.3(TMPO):c.565+1361T>G

Gene: TMPO (thymopoietin; plus strand). Cytogenetic location: 12q23.1.
Variant type: single nucleotide variant.
Coding change: c.565+1361T>G on transcript NM_001032283.3 (MANE Select); 1361 bases into the intron after coding-DNA position 565, T replaced by G.
Molecular consequence: intron variant. On other transcripts: missense variant (1).
Genome position (GRCh38, 1-based): chr12:98,533,199, T>G. VCF-style: chr12-98533199-T-G. GRCh37 (hg19) VCF-style: chr12-98926977-T-G.
Other names: c.942T>G, p.Ile314Met (NM_003276.2); c.565+1361T>G (NM_001307975.2, NM_001032284.3); short protein forms I314M.
Identifiers: ClinVar variation 1423035 (VCV001423035.10), dbSNP rs185083543, ClinGen allele CA386152138.